The following is an entry in ClinVar:

ClinVar aggregate classification (germline): Benign/Likely benign. Review status: criteria provided, multiple submitters, no conflicts (2 of 4 stars). 12 submissions from 11 submitters: Benign (9); Likely benign (3). Last evaluated 2026-08-01.

Conditions:
Adams-Oliver syndrome 5 (AOS5). Identifiers: Orphanet 974, MedGen C4014970, MONDO:0014459, OMIM 616028.
Aortic valve disease 1 (AOVD1). Identifiers: MedGen C3887892, MONDO:0024523, OMIM 109730.
Familial thoracic aortic aneurysm and aortic dissection (TAAD). Also called: Thoracic aortic aneurysms and dissections. Identifiers: Orphanet 91387, MedGen C4707243, MONDO:0019625.

Allele frequency attached by ClinVar (database versions not stated): gnomAD exomes 0.00041 and 0.00116; ExAC 0.00156; gnomAD 0.00453 and 0.00477; TOPMed 0.00516; ESP Exome Variant Server 0.00533; 1000 Genomes Project 0.00679; 1000 Genomes Project 30x 0.00703.
gnomAD v4.1: 1,292 of 1,612,690 alleles (0.08%); highest among the groups gnomAD compares: African/African-American, 1.5%; 11 homozygotes.

Submissions (12):

CeGaT Center for Human Genetics Tuebingen
Classification: Likely benign. Last evaluated: 2026-08-01. Review status: criteria provided, single submitter. Criteria: CeGaT Center For Human Genetics Tuebingen Variant Classification Criteria Version 2. Collection method: clinical testing. Allele origin: germline. Affected: yes. Observed: 1 variant allele.
Comment: NOTCH1: BP4, BS1

Labcorp Genetics (formerly Invitae), Labcorp
Classification: Benign for Adams-Oliver syndrome 5. Last evaluated: 2026-02-02. Review status: criteria provided, single submitter. Criteria: Invitae Variant Classification Sherloc (09022015). Collection method: clinical testing. Allele origin: germline.

Blueprint Genetics
Classification: Likely benign. Last evaluated: 2024-10-16. Review status: criteria provided, single submitter. Criteria: ACMG Guidelines, 2015. Collection method: clinical testing. Allele origin: germline.

Mayo Clinic Laboratories, Mayo Clinic
Classification: Benign. Last evaluated: 2024-10-14. Review status: criteria provided, single submitter. Criteria: ACMG Guidelines, 2015. Collection method: clinical testing. Allele origin: germline. Observed: 1 variant allele.
Comment: BS1, BS2, BP4, BP7

Women's Health and Genetics/Laboratory Corporation of America, LabCorp
Classification: Benign. Last evaluated: 2023-07-21. Review status: criteria provided, single submitter. Criteria: LabCorp Variant Classification Summary - May 2015. Collection method: clinical testing. Allele origin: germline.

Genome-Nilou Lab
Classification: Benign for Adams-Oliver syndrome 5. Last evaluated: 2022-03-15. Review status: criteria provided, single submitter. Criteria: ACMG Guidelines, 2015. Collection method: clinical testing. Allele origin: germline. Affected: no.

Genome-Nilou Lab
Classification: Benign for Aortic valve disease 1. Last evaluated: 2022-03-15. Review status: criteria provided, single submitter. Criteria: ACMG Guidelines, 2015. Collection method: clinical testing. Allele origin: germline. Affected: no.

Fulgent Genetics
Classification: Likely benign for Aortic valve disease 1; Adams-Oliver syndrome 5. Last evaluated: 2021-10-04. Review status: criteria provided, single submitter. Criteria: ACMG Guidelines, 2015. Collection method: clinical testing. Allele origin: unknown.

GeneDx
Classification: Benign. Last evaluated: 2017-01-18. Review status: criteria provided, single submitter. Criteria: GeneDx Variant Classification (06012015). Collection method: clinical testing. Allele origin: germline. Affected: yes.
Comment: This variant is considered likely benign or benign based on one or more of the following criteria: it is a conservative change, it occurs at a poorly conserved position in the protein, it is predicted to be benign by multiple in silico algorithms, and/or has population frequency not consistent with disease.

CHEO Genetics Diagnostic Laboratory, Children's Hospital of Eastern Ontario
Classification: Benign for Familial thoracic aortic aneurysm and aortic dissection. Last evaluated: 2016-11-08. Review status: criteria provided, single submitter. Criteria: ACMG Guidelines, 2015. Collection method: clinical testing. Allele origin: germline. Study: Canadian Open Genetics Repository.

Ambry Genetics
Classification: Benign for Familial thoracic aortic aneurysm and aortic dissection. Last evaluated: 2016-01-12. Review status: criteria provided, single submitter. Criteria: Ambry Variant Classification Scheme 2023. Collection method: clinical testing. Allele origin: germline.

Breakthrough Genomics
Classification: Benign. Review status: criteria provided, single submitter. Criteria: ACMG Guidelines, 2015. Collection method: not provided. Allele origin: germline. Inheritance: Autosomal dominant inheritance. Affected: yes.

Literature cited by the submitters: PubMed 24943832 (cited by Women's Health and Genetics/Laboratory Corporation of America, LabCorp); PubMed 16614245 (cited by Women's Health and Genetics/Laboratory Corporation of America, LabCorp); PubMed 21670202 (cited by Women's Health and Genetics/Laboratory Corporation of America, LabCorp); PubMed 22210878 (cited by Women's Health and Genetics/Laboratory Corporation of America, LabCorp); PubMed 19635999 (cited by Women's Health and Genetics/Laboratory Corporation of America, LabCorp); PubMed 26837699 (cited by Women's Health and Genetics/Laboratory Corporation of America, LabCorp); PubMed 23086750 (cited by Women's Health and Genetics/Laboratory Corporation of America, LabCorp); PubMed 19245433 (cited by Women's Health and Genetics/Laboratory Corporation of America, LabCorp); PubMed 22077063 (cited by Women's Health and Genetics/Laboratory Corporation of America, LabCorp); PubMed 23734977 (cited by Women's Health and Genetics/Laboratory Corporation of America, LabCorp); PubMed 22858860 (cited by Women's Health and Genetics/Laboratory Corporation of America, LabCorp).

NM_017617.5(NOTCH1):c.873C>T (p.Tyr291=)

Gene: NOTCH1 (notch receptor 1; minus strand). Cytogenetic location: 9q34.3.
Variant type: single nucleotide variant.
Coding change: c.873C>T on transcript NM_017617.5 (MANE Select); coding-DNA position 873, C replaced by T.
Protein change: p.Tyr291=; no amino-acid change (tyrosine 291 retained).
Molecular consequence: synonymous variant.
Genome position (GRCh38, 1-based): chr9:136,518,817, G>A on the plus strand (C>T on the coding strand, the complement: NOTCH1 is on the minus strand). VCF-style: chr9-136518817-G-A. GRCh37 (hg19) VCF-style: chr9-139413269-G-A.
Other names: p.Tyr291=; c.873C>T, p.Tyr291= (LRG_1122t1); c.873C>T (NM_017617.4).
Identifiers: ClinVar variation 415396 (VCV000415396.25), dbSNP rs143654474, ClinGen allele CA5341987.
Genomic context (GRCh38, chr9:136,518,817, plus strand): 5'-GGTCCCGCCGTTCTGGCAGGCATTTGGCATCAGCTGGCACTCGTCCACATCCTCGGTACA[G>A]TACTGACCTGCAGGGAACAGGAGCTGTCGGCCCCGGGCAGCTGCCACTCCCTGAGCTCCC-3'
Protein context (NP_060087.3, residues 281-301): CRCPPEWTGQ[Tyr291=]CTEDVDECQL